The following is an entry in ClinVar:

NM_183357.3(ADCY5):c.3593T>C (p.Ile1198Thr)

Gene: ADCY5 (adenylate cyclase 5; minus strand). Cytogenetic location: 3q21.1.
Variant type: single nucleotide variant.
Coding change: c.3593T>C on transcript NM_183357.3 (MANE Select); coding-DNA position 3593, T replaced by C.
Protein change: p.Ile1198Thr; replaces isoleucine 1198 with threonine.
Molecular consequence: missense variant.
Genome position (GRCh38, 1-based): chr3:123,286,749, A>G on the plus strand (T>C on the coding strand, the complement: ADCY5 is on the minus strand). VCF-style: chr3-123286749-A-G. GRCh37 (hg19) VCF-style: chr3-123005596-A-G.
Other names: c.2543T>C, p.Ile848Thr (NM_001199642.1); c.3668T>C, p.Ile1223Thr (NM_001378259.1); short protein forms I1198T, I1223T, I848T.
Identifiers: ClinVar variation 1698109 (VCV001698109.2), dbSNP rs2108162874, ClinGen allele CA354222338.

ClinVar aggregate classification (germline): Uncertain significance (1 of 4 stars; one submission).

Submission:

GeneDx
Classification: Uncertain significance. Last evaluated: 2022-01-20. Review status: criteria provided, single submitter. Criteria: GeneDx Variant Classification Process June 2021. Collection method: clinical testing. Allele origin: germline. Affected: yes.
Comment: Not observed at significant frequency in large population cohorts (gnomAD); In silico analysis supports that this missense variant has a deleterious effect on protein structure/function; Has not been previously published as pathogenic or benign to our knowledge